The following is an entry in ClinVar:

ClinVar aggregate classification (germline): Pathogenic. Review status: criteria provided, multiple submitters, no conflicts (2 of 4 stars). 4 submissions from 4 submitters: Pathogenic (4). Last evaluated 2025-11-02.

Conditions:
Inborn genetic diseases. Identifiers: MedGen C0950123, MeSH D030342.
Intellectual disability-microcephaly-strabismus-behavioral abnormalities syndrome. Also called: White-Sutton Syndrome. Identifiers: Orphanet 468678, MedGen C4225351, MONDO:0014606, OMIM 616364.

Allele frequency attached by ClinVar (database versions not stated): gnomAD exomes below 0.00001.
gnomAD v4.1: 1 of 1,610,834 alleles (0.000062%); highest among the groups gnomAD compares: Non-Finnish European, 0.000085%; no homozygotes.

Submissions (4):

GeneDx
Classification: Pathogenic. Last evaluated: 2025-11-02. Review status: criteria provided, single submitter. Criteria: GeneDx Variant Classification Process June 2021. Collection method: clinical testing. Allele origin: germline. Affected: yes.
Comment: Nonsense variant predicted to result in protein truncation or nonsense mediated decay in a gene for which loss of function is a known mechanism of disease; Not observed at significant frequency in large population cohorts (gnomAD); This variant is associated with the following publications: (PMID: 33004838, 36002593, 35052493)

Genome-Nilou Lab
Classification: Pathogenic for Intellectual disability-microcephaly-strabismus-behavioral abnormalities syndrome. Last evaluated: 2023-04-11. Review status: criteria provided, single submitter. Criteria: ACMG Guidelines, 2015. Collection method: clinical testing. Allele origin: germline. Affected: no.

3billion
Classification: Pathogenic for Intellectual disability-microcephaly-strabismus-behavioral abnormalities syndrome. Last evaluated: 2022-01-03. Review status: criteria provided, single submitter. Criteria: ACMG Guidelines, 2015. Collection method: clinical testing. Allele origin: germline. Affected: yes. Observed: 1 heterozygote.
Comment: Stop-gained (nonsense): predicted to result in a loss or disruption of normal protein function through nonsense-mediated decay (NMD) or protein truncation. Multiple pathogenic variants are reported downstream of the variant (PVS1_VS). It is not observed in the gnomAD v2.1.1 dataset (PM2_M). The variant has been reported to be associated with POGZ related disorder (ClinVar ID: VCV000620444). Therefore, this variant is classified as pathogenic according to the recommendation of ACMG/AMP guideline.

Ambry Genetics
Classification: Pathogenic for Inborn genetic diseases. Last evaluated: 2018-04-02. Review status: criteria provided, single submitter. Criteria: Ambry Variant Classification Scheme 2023. Collection method: clinical testing. Allele origin: germline.
Comment: The p.R508* pathogenic mutation (also known as c.1522C>T), located in coding exon 8 of the POGZ gene, results from a C to T substitution at nucleotide position 1522. This changes the amino acid from an arginine to a stop codon within coding exon 8. This alteration is expected to result in loss of function by premature protein truncation or nonsense-mediated mRNA decay. As such, this alteration is interpreted as a disease-causing mutation.

NM_015100.4(POGZ):c.1522C>T (p.Arg508Ter)

Gene: POGZ (pogo transposable element derived with ZNF domain; minus strand). Cytogenetic location: 1q21.3.
Variant type: single nucleotide variant.
Coding change: c.1522C>T on transcript NM_015100.4 (MANE Select); coding-DNA position 1522, C replaced by T.
Protein change: p.Arg508Ter; replaces arginine 508 with a stop codon.
Molecular consequence: nonsense.
Genome position (GRCh38, 1-based): chr1:151,423,950, G>A on the plus strand (C>T on the coding strand, the complement: POGZ is on the minus strand). VCF-style: chr1-151423950-G-A. GRCh37 (hg19) VCF-style: chr1-151396426-G-A.
Other names: c.1495C>T, p.Arg499Ter (NM_001194937.2); c.1336C>T, p.Arg446Ter (NM_001194938.2); c.1237C>T, p.Arg413Ter (NM_145796.4); c.1363C>T, p.Arg455Ter (NM_207171.2); short protein forms R508*, R455*, R446*, R413*, R499*.
Identifiers: ClinVar variation 620444 (VCV000620444.8), dbSNP rs1557901051, ClinGen allele CA341970512.